The following is an entry in ClinVar:

NM_000075.4(CDK4):c.724G>T (p.Val242Leu)

Genes: CDK4 (cyclin dependent kinase 4; minus strand), TSPAN31 (tetraspanin 31; plus strand). Cytogenetic location: 12q14.1.
Variant type: single nucleotide variant.
Coding change: c.724G>T on transcript NM_000075.4 (MANE Select); coding-DNA position 724, G replaced by T.
Protein change: p.Val242Leu; replaces valine 242 with leucine.
Molecular consequence: missense variant. On other transcripts: 3 prime UTR variant (3).
Genome position (GRCh38, 1-based): chr12:57,749,277, C>A on the plus strand (G>T on the coding strand, the complement: CDK4 is on the minus strand). VCF-style: chr12-57749277-C-A. GRCh37 (hg19) VCF-style: chr12-58143060-C-A.
Other names: c.*1987C>A (NM_001330168.2, NM_001330169.2, NM_005981.5); short protein forms V242L.
Identifiers: ClinVar variation 1461287 (VCV001461287.8), dbSNP rs876658903, ClinGen allele CA385543486.

ClinVar aggregate classification (germline): Uncertain significance (1 of 4 stars; one submission).

Conditions:
Familial melanoma. Also called: Hereditary melanoma; Hereditary cutaneous melanoma. Identifiers: Orphanet 618, MedGen C1512419, MONDO:0018961.

Submission:

Labcorp Genetics (formerly Invitae), Labcorp
Classification: Uncertain significance for Familial melanoma. Last evaluated: 2024-04-30. Review status: criteria provided, single submitter. Criteria: Invitae Variant Classification Sherloc (09022015). Collection method: clinical testing. Allele origin: germline.
Comment: This sequence change replaces valine, which is neutral and non-polar, with leucine, which is neutral and non-polar, at codon 242 of the CDK4 protein (p.Val242Leu). This variant is not present in population databases (gnomAD no frequency). This variant has not been reported in the literature in individuals affected with CDK4-related conditions. ClinVar contains an entry for this variant (Variation ID: 1461287). Advanced modeling of protein sequence and biophysical properties (such as structural, functional, and spatial information, amino acid conservation, physicochemical variation, residue mobility, and thermodynamic stability) performed at Invitae indicates that this missense variant is not expected to disrupt CDK4 protein function with a negative predictive value of 95%. In summary, the available evidence is currently insufficient to determine the role of this variant in disease. Therefore, it has been classified as a Variant of Uncertain Significance.